The following is an entry in ClinVar:

ClinVar aggregate classification (germline): Likely pathogenic (1 of 4 stars; one submission).

Allele frequency attached by ClinVar (database versions not stated): TOPMed below 0.00001.
gnomAD v4.1: 3 of 1,559,832 alleles (0.00019%); highest among the groups gnomAD compares: Non-Finnish European, 0.00027%; no homozygotes.

Submission:

Labcorp Genetics (formerly Invitae), Labcorp
Classification: Likely pathogenic. Last evaluated: 2025-12-01. Review status: criteria provided, single submitter. Criteria: Invitae Variant Classification Sherloc (09022015). Collection method: clinical testing. Allele origin: germline.
Comment: This sequence change affects a donor splice site in intron 11 of the PDE6C gene. It is expected to disrupt RNA splicing. Variants that disrupt the donor or acceptor splice site typically lead to a loss of protein function (PMID: 16199547), and loss-of-function variants in PDE6C are known to be pathogenic (PMID: 19887631, 23776498, 26103963, 30080950). This variant is present in population databases (no rsID available, gnomAD 0.0009%). This variant has not been reported in the literature in individuals affected with PDE6C-related conditions. ClinVar contains an entry for this variant (Variation ID: 2111685). Algorithms developed to predict the effect of sequence changes on RNA splicing suggest that this variant may disrupt the consensus splice site. In summary, the currently available evidence indicates that the variant is pathogenic, but additional data are needed to prove that conclusively. Therefore, this variant has been classified as Likely Pathogenic.

Literature cited by the submitters: PubMed 16199547; PubMed 19887631; PubMed 23776498; PubMed 26103963; PubMed 30080950.

NM_006204.4(PDE6C):c.1482+2T>G

Gene: PDE6C (phosphodiesterase 6C; plus strand). Cytogenetic location: 10q23.33.
Variant type: single nucleotide variant.
Coding change: c.1482+2T>G on transcript NM_006204.4 (MANE Select); the canonical splice donor site of the intron after coding-DNA position 1482, T replaced by G.
Molecular consequence: splice donor variant.
Genome position (GRCh38, 1-based): chr10:93,637,065, T>G. VCF-style: chr10-93637065-T-G. GRCh37 (hg19) VCF-style: chr10-95396822-T-G.
Identifiers: ClinVar variation 2111685 (VCV002111685.4), dbSNP rs779718367, ClinGen allele CA377616436.
Genomic context (GRCh38, chr10:93,637,065, plus strand): 5'-AGAAGTTAAATGTTGATGTAATTGACGACTGTGAAGAAAAACAACTTGTTGCAATTTTGG[T>G]AAGTGTTTTCTTTCTAACCTTAATGCCTGTTAAATAGAGGCATTATAAATCAATAATATA-3'